The following is an entry in ClinVar:

ClinVar aggregate classification (germline): Uncertain significance. Review status: criteria provided, multiple submitters, no conflicts (2 of 4 stars). 2 submissions from 2 submitters: Uncertain significance (2). Last evaluated 2024-02-13.

Submissions (2):

Labcorp Genetics (formerly Invitae), Labcorp
Classification: Uncertain significance. Last evaluated: 2024-02-13. Review status: criteria provided, single submitter. Criteria: Invitae Variant Classification Sherloc (09022015). Collection method: clinical testing. Allele origin: germline.
Comment: This sequence change replaces valine, which is neutral and non-polar, with alanine, which is neutral and non-polar, at codon 25 of the PPP2R1A protein (p.Val25Ala). This variant is not present in population databases (gnomAD no frequency). This variant has not been reported in the literature in individuals affected with PPP2R1A-related conditions. Advanced modeling of protein sequence and biophysical properties (such as structural, functional, and spatial information, amino acid conservation, physicochemical variation, residue mobility, and thermodynamic stability) performed at Invitae indicates that this missense variant is not expected to disrupt PPP2R1A protein function with a negative predictive value of 80%. In summary, the available evidence is currently insufficient to determine the role of this variant in disease. Therefore, it has been classified as a Variant of Uncertain Significance.

GeneDx
Classification: Uncertain significance. Last evaluated: 2023-06-11. Review status: criteria provided, single submitter. Criteria: GeneDx Variant Classification Process June 2021. Collection method: clinical testing. Allele origin: germline. Affected: yes.
Comment: Not observed at significant frequency in large population cohorts (gnomAD); In silico analysis supports that this missense variant has a deleterious effect on protein structure/function; Has not been previously published as pathogenic or benign to our knowledge

NM_014225.6(PPP2R1A):c.74T>C (p.Val25Ala)

Gene: PPP2R1A (protein phosphatase 2 scaffold subunit Aalpha; plus strand). Cytogenetic location: 19q13.41.
Variant type: single nucleotide variant.
Coding change: c.74T>C on transcript NM_014225.6 (MANE Select); coding-DNA position 74, T replaced by C.
Protein change: p.Val25Ala; replaces valine 25 with alanine.
Molecular consequence: missense variant. On other transcripts: non-coding transcript variant (1).
Genome position (GRCh38, 1-based): chr19:52,190,170, T>C. VCF-style: chr19-52190170-T-C. GRCh37 (hg19) VCF-style: chr19-52693423-T-C.
Other names: short protein forms V25A.
Identifiers: ClinVar variation 3359634 (VCV003359634.3).
Genomic context (GRCh38, chr19:52,190,170, plus strand): 5'-ACGGCGACGACTCGCTGTACCCCATCGCGGTGCTCATAGACGAACTCCGCAATGAGGACG[T>C]TCAGGTCCGGAGGCTACGGGGGACTTGGGGAAGACGCGGAGGGGTACCTGGGGGCACGGG-3'
Protein context (NP_055040.2, residues 15-35): VLIDELRNED[Val25Ala]QLRLNSIKKL